The following is an entry in ClinVar:

NM_005566.4(LDHA):c.941C>T (p.Ala314Val)

Gene: LDHA (lactate dehydrogenase A; plus strand). Cytogenetic location: 11p15.1.
Variant type: single nucleotide variant.
Coding change: c.941C>T on transcript NM_005566.4 (MANE Select); coding-DNA position 941, C replaced by T.
Protein change: p.Ala314Val; replaces alanine 314 with valine.
Molecular consequence: missense variant. On other transcripts: 3 prime UTR variant (1), non-coding transcript variant (1), intron variant (1).
Genome position (GRCh38, 1-based): chr11:18,407,223, C>T. VCF-style: chr11-18407223-C-T. GRCh37 (hg19) VCF-style: chr11-18428770-C-T.
Other names: c.767C>T, p.Ala256Val (NM_001135239.2); c.1028C>T, p.Ala343Val (NM_001165414.2); c.*91C>T (NM_001165416.2); c.688-16C>T (NM_001165415.2); short protein forms A314V, A256V, A343V.
Identifiers: ClinVar variation 2705604 (VCV002705604.3), dbSNP rs1866719569, ClinGen allele CA379509002.

ClinVar aggregate classification (germline): Uncertain significance (1 of 4 stars; one submission).

Conditions:
Glycogen storage disease due to lactate dehydrogenase M-subunit deficiency (GSD11). Also called: Glycogen storage disease XI; GSD XI; LACTATE DEHYDROGENASE A DEFICIENCY. Identifiers: Orphanet 284426, MedGen C2931743, MONDO:0013047, OMIM 612933.

Submission:

Labcorp Genetics (formerly Invitae), Labcorp
Classification: Uncertain significance for Glycogen storage disease due to lactate dehydrogenase M-subunit deficiency. Last evaluated: 2023-12-26. Review status: criteria provided, single submitter. Criteria: Invitae Variant Classification Sherloc (09022015). Collection method: clinical testing. Allele origin: germline.
Comment: This sequence change replaces alanine, which is neutral and non-polar, with valine, which is neutral and non-polar, at codon 314 of the LDHA protein (p.Ala314Val). This variant is not present in population databases (gnomAD no frequency). This variant has not been reported in the literature in individuals affected with LDHA-related conditions. Advanced modeling of protein sequence and biophysical properties (such as structural, functional, and spatial information, amino acid conservation, physicochemical variation, residue mobility, and thermodynamic stability) performed at Invitae indicates that this missense variant is not expected to disrupt LDHA protein function with a negative predictive value of 80%. Algorithms developed to predict the effect of sequence changes on RNA splicing suggest that this variant may create or strengthen a splice site. In summary, the available evidence is currently insufficient to determine the role of this variant in disease. Therefore, it has been classified as a Variant of Uncertain Significance.